The following is an entry in ClinVar:

ClinVar aggregate classification (germline): Uncertain significance (1 of 4 stars; one submission).

gnomAD v4.1: 38 of 1,613,318 alleles (0.0024%); highest among the groups gnomAD compares: Non-Finnish European, 0.0031%; no homozygotes.

Submission:

Labcorp Genetics (formerly Invitae), Labcorp
Classification: Uncertain significance. Last evaluated: 2021-10-09. Review status: criteria provided, single submitter. Criteria: Invitae Variant Classification Sherloc (09022015). Collection method: clinical testing. Allele origin: germline.
Comment: In summary, the available evidence is currently insufficient to determine the role of this variant in disease. Therefore, it has been classified as a Variant of Uncertain Significance. Algorithms developed to predict the effect of missense changes on protein structure and function are either unavailable or do not agree on the potential impact of this missense change (SIFT: "Deleterious"; PolyPhen-2: "Benign"; Align-GVGD: "Class C0"). This variant has not been reported in the literature in individuals affected with DNAH9-related conditions. This variant is present in population databases (rs756890065, ExAC 0.001%). This sequence change replaces arginine with tryptophan at codon 2716 of the DNAH9 protein (p.Arg2716Trp). The arginine residue is moderately conserved and there is a moderate physicochemical difference between arginine and tryptophan.

NM_001372.4(DNAH9):c.8146C>T (p.Arg2716Trp)

Gene: DNAH9 (dynein axonemal heavy chain 9; plus strand). Cytogenetic location: 17p12.
Variant type: single nucleotide variant.
Coding change: c.8146C>T on transcript NM_001372.4 (MANE Select); coding-DNA position 8146, C replaced by T.
Protein change: p.Arg2716Trp; replaces arginine 2716 with tryptophan.
Molecular consequence: missense variant.
Genome position (GRCh38, 1-based): chr17:11,793,587, C>T. VCF-style: chr17-11793587-C-T. GRCh37 (hg19) VCF-style: chr17-11696904-C-T.
Other names: short protein forms R2716W.
Identifiers: ClinVar variation 1497073 (VCV001497073.4), dbSNP rs756890065, ClinGen allele CA8396840.